The following is an entry in ClinVar:

NM_004082.5(DCTN1):c.427C>T (p.Arg143Ter)

Gene: DCTN1 (dynactin subunit 1; minus strand). Cytogenetic location: 2p13.1.
Variant type: single nucleotide variant.
Coding change: c.427C>T on transcript NM_004082.5 (MANE Select); coding-DNA position 427, C replaced by T.
Protein change: p.Arg143Ter; replaces arginine 143 with a stop codon.
Molecular consequence: nonsense. On other transcripts: intron variant (3).
Genome position (GRCh38, 1-based): chr2:74,374,328, G>A on the plus strand (C>T on the coding strand, the complement: DCTN1 is on the minus strand). VCF-style: chr2-74374328-G-A. GRCh37 (hg19) VCF-style: chr2-74601455-G-A.
Other names: c.25C>T, p.Arg9Ter (NM_001135041.3, NM_023019.4); c.406C>T, p.Arg136Ter (NM_001190837.2); c.376C>T, p.Arg126Ter (NM_001378991.1); c.343-2600C>T (NM_001190836.2); c.364-1380C>T (NM_001378992.1); c.394-2600C>T (NM_001135040.3); short protein forms R9*, R143*, R136*, R126*.
Identifiers: ClinVar variation 536163 (VCV000536163.10), dbSNP rs781290307, ClinGen allele CA50478528.

ClinVar aggregate classification (germline): Uncertain significance. Review status: criteria provided, multiple submitters, no conflicts (2 of 4 stars). 2 submissions from 2 submitters: Uncertain significance (2). Last evaluated 2023-08-27.

Conditions:
Amyotrophic lateral sclerosis type 1 (ALS1). Also called: AMYOTROPHIC LATERAL SCLEROSIS 1, FAMILIAL. Identifiers: Orphanet 803, MedGen C1862939, MONDO:0007103, OMIM 105400.
Neuronopathy, distal hereditary motor, type 7B. Also called: HMN VIIB; LOWER MOTOR NEURON DISEASE, DYNACTIN TYPE; Distal Hereditary Motor Neuronopathy Type 7B (dHMN7B); NEURONOPATHY, DISTAL HEREDITARY MOTOR, AUTOSOMAL DOMINANT 14; NEURONOPATHY, DISTAL HEREDITARY MOTOR, HARDING TYPE VIIB; NEUROPATHY, DISTAL HEREDITARY MOTOR, HARDING TYPE VIIB. Identifiers: Orphanet 139589, MedGen C1843315, MONDO:0011879, OMIM 607641.
Perry syndrome. Also called: PARKINSONISM WITH ALVEOLAR HYPOVENTILATION AND MENTAL DEPRESSION. Identifiers: Orphanet 178509, MedGen C1868594, MONDO:0008201, OMIM 168605.

Allele frequency attached by ClinVar (database versions not stated): TOPMed below 0.00001; gnomAD 0.00001.
gnomAD v4.1: 3 of 1,612,086 alleles (0.00019%); highest among the groups gnomAD compares: African/African-American, 0.0027%; no homozygotes.

Submissions (2):

Labcorp Genetics (formerly Invitae), Labcorp
Classification: Uncertain significance for Amyotrophic lateral sclerosis type 1; Neuronopathy, distal hereditary motor, type 7B; Perry syndrome. Last evaluated: 2023-08-27. Review status: criteria provided, single submitter. Criteria: Invitae Variant Classification Sherloc (09022015). Collection method: clinical testing. Allele origin: germline.
Comment: In summary, the available evidence is currently insufficient to determine the role of this variant in disease. Therefore, it has been classified as a Variant of Uncertain Significance. ClinVar contains an entry for this variant (Variation ID: 536163). This variant has not been reported in the literature in individuals affected with DCTN1-related conditions. This variant is present in population databases (no rsID available, gnomAD 0.007%). This sequence change creates a premature translational stop signal (p.Arg143*) in the DCTN1 gene. It is expected to result in an absent or disrupted protein product. However, the current clinical and genetic evidence is not sufficient to establish whether loss-of-function variants in DCTN1 cause disease.

GeneDx
Classification: Uncertain significance. Last evaluated: 2021-11-09. Review status: criteria provided, single submitter. Criteria: GeneDx Variant Classification Process June 2021. Collection method: clinical testing. Allele origin: germline. Affected: yes.
Comment: Nonsense variant predicted to result in protein truncation or nonsense mediated decay in a gene for which loss-of-function is not a known mechanism of disease; Has not been previously published as pathogenic or benign to our knowledge